The following is an entry in ClinVar:

NM_001379500.1(COL18A1):c.107-12197G>A

Gene: COL18A1 (collagen type XVIII alpha 1 chain; plus strand). Cytogenetic location: 21q22.3.
Variant type: single nucleotide variant.
Coding change: c.107-12197G>A on transcript NM_001379500.1 (MANE Select); 12197 bases into the intron before coding-DNA position 107, G replaced by A.
Molecular consequence: intron variant. On other transcripts: missense variant (2).
Genome position (GRCh38, 1-based): chr21:45,456,045, G>A. VCF-style: chr21-45456045-G-A. GRCh37 (hg19) VCF-style: chr21-46875959-G-A.
Other names: NM_130445.2:c.107-12197G>A; c.515G>A, p.Arg172His (NM_030582.4, NM_130444.3); short protein forms R172H.
Identifiers: ClinVar variation 447131 (VCV000447131.34), dbSNP rs200284308, ClinGen allele CA10065497.

ClinVar aggregate classification (germline): Conflicting classifications of pathogenicity. Review status: criteria provided, conflicting classifications (1 of 4 stars). 10 submissions from 10 submitters: Uncertain significance (4); Likely benign (3). 3 of the submissions do not count toward it. Last evaluated 2025-01-21.

Conditions:
COL18A1-related disorder. Also called: COL18A1-related disorders; COL18A1-related condition.
Inborn genetic diseases. Identifiers: MedGen C0950123, MeSH D030342.
Knobloch syndrome (KNO). Also called: Myopia retinal detachment encephalocele; RETINAL DETACHMENT AND OCCIPITAL ENCEPHALOCELE. Identifiers: Orphanet 1571, MedGen C1849409, MONDO:0800166.

Allele frequency attached by ClinVar (database versions not stated): ESP Exome Variant Server 0.00041; gnomAD exomes 0.00044 and 0.00098; TOPMed 0.00049; ExAC 0.00051; gnomAD 0.00061 and 0.00063.
gnomAD v4.1: 1,491 of 1,607,990 alleles (0.093%); highest among the groups gnomAD compares: Non-Finnish European, 0.12%; 1 homozygote.

Submissions (10):

Ambry Genetics
Classification: Likely benign for Inborn genetic diseases. Last evaluated: 2025-01-21. Review status: criteria provided, single submitter. Criteria: Ambry Variant Classification Scheme 2023. Collection method: clinical testing. Allele origin: germline.

Blueprint Genetics
Classification: Likely benign. Last evaluated: 2024-10-04. Review status: criteria provided, single submitter. Criteria: ACMG Guidelines, 2015. Collection method: clinical testing. Allele origin: germline.

CeGaT Center for Human Genetics Tuebingen
Classification: Likely benign. Last evaluated: 2024-03-01. Review status: criteria provided, single submitter. Criteria: CeGaT Center For Human Genetics Tuebingen Variant Classification Criteria Version 2. Collection method: clinical testing. Allele origin: germline. Affected: yes. Observed: 1 variant allele.
Comment: COL18A1: BP4

Labcorp Genetics (formerly Invitae), Labcorp
Classification: Uncertain significance. Last evaluated: 2022-10-24. Review status: criteria provided, single submitter. Criteria: Invitae Variant Classification Sherloc (09022015). Collection method: clinical testing. Allele origin: germline.
Comment: The COL18A1 gene has multiple clinically relevant transcripts. This variant occurs in alternate transcript NM_030582.4, and corresponds to NM_130445.2:c.107-12197G>A in the primary transcript. This sequence change replaces arginine, which is basic and polar, with histidine, which is basic and polar, at codon 172 of the COL18A1 protein (p.Arg172His). This variant is present in population databases (rs200284308, gnomAD 0.09%), and has an allele count higher than expected for a pathogenic variant. This variant has not been reported in the literature in individuals affected with COL18A1-related conditions. ClinVar contains an entry for this variant (Variation ID: 447131). Algorithms developed to predict the effect of missense changes on protein structure and function output the following: SIFT: "Not Available"; PolyPhen-2: "Not Available"; Align-GVGD: "Not Available". The histidine amino acid residue is found in multiple mammalian species, which suggests that this missense change does not adversely affect protein function. Algorithms developed to predict the effect of sequence changes on RNA splicing suggest that this variant is not likely to affect RNA splicing. In summary, the available evidence is currently insufficient to determine the role of this variant in disease. Therefore, it has been classified as a Variant of Uncertain Significance.

Fulgent Genetics
Classification: Uncertain significance for Knobloch syndrome 1. Last evaluated: 2018-10-31. Review status: criteria provided, single submitter. Criteria: ACMG Guidelines, 2015. Collection method: clinical testing. Allele origin: unknown.

GeneDx
Classification: Uncertain significance. Last evaluated: 2017-08-01. Review status: criteria provided, single submitter. Criteria: GeneDx Variant Classification (06012015). Collection method: clinical testing. Allele origin: germline. Affected: yes.
Comment: The R172H variant in the COL18A1 gene has not been reported previously as a pathogenic variant, nor as a benign variant, to our knowledge. This variant is only present in a single alternate transcript of the COL18A1 gene (NM_030582.3), but not in any other known transcript, including the primary isoform used by the Human Gene Mutation database (NM_130445.3). Although not present in the homozygous state, the R172H variant is observed in 53/63514 (0.083%) alleles from individuals of non-Finnish European background in the ExAC dataset (Lek et al., 2016). The R172H variant is a conservative amino acid substitution, which is not likely to impact secondary protein structure as these residues share similar properties. This substitution occurs at a position that is not conserved. In silico analysis is inconsistent in its predictions as to whether or not the variant is damaging to the protein structure/function. We interpret R172H as a variant of uncertain significance.

Athena Diagnostics
Classification: Uncertain significance. Last evaluated: 2017-01-25. Review status: criteria provided, single submitter. Criteria: Athena Diagnostics Criteria. Collection method: clinical testing. Allele origin: germline.

PreventionGenetics, part of Exact Sciences
Classification: Uncertain significance for COL18A1-related condition. Last evaluated: 2024-07-09. Review status: no assertion criteria provided. Collection method: clinical testing. Allele origin: germline. Not counted in ClinVar's aggregate classification.
Comment: The COL18A1 c.515G>A variant is predicted to result in the amino acid substitution p.Arg172His. To our knowledge, this variant has not been reported in the literature. This variant is reported in 0.090% of alleles in individuals of European (Non-Finnish) descent in gnomAD, which is likely too frequent for an unreported disease-causing variant. Although we suspect that this variant may be benign, at this time, the clinical significance is uncertain due to the absence of conclusive functional and genetic evidence.

Clinical Genetics DNA and cytogenetics Diagnostics Lab, Erasmus MC, Erasmus Medical Center
Classification: Likely benign. Review status: no assertion criteria provided. Collection method: clinical testing. Allele origin: germline. Affected: yes. Study: VKGL Data-share Consensus. Not counted in ClinVar's aggregate classification.

Laboratory of Diagnostic Genome Analysis, Leiden University Medical Center (LUMC)
Classification: Likely benign. Review status: no assertion criteria provided. Collection method: clinical testing. Allele origin: germline. Affected: yes. Study: VKGL Data-share Consensus. Not counted in ClinVar's aggregate classification.